The following is an entry in ClinVar:

NM_007294.4(BRCA1):c.4744delinsCC (p.Asp1582fs)

Gene: BRCA1 (BRCA1 DNA repair associated; minus strand). Cytogenetic location: 17q21.31.
Variant type: Indel.
Coding change: c.4744delinsCC on transcript NM_007294.4 (MANE Select); coding-DNA position 4744, G replaced by CC.
Protein change: p.Asp1582fs; shifts the reading frame from aspartic acid 1582.
Molecular consequence: frameshift variant. On other transcripts: non-coding transcript variant (1).
Genome position (GRCh38, 1-based): chr17:43,071,170, C replaced by GG on the plus strand (G replaced by CC on the coding strand, the reverse complement: BRCA1 is on the minus strand). VCF-style: chr17-43071170-C-GG. GRCh37 (hg19) VCF-style: chr17-41223187-C-GG.
Other names: c.4537delGinsCC, p.Asp1513Profs (NM_001407875.1, NM_001407874.1); c.4534delGinsCC, p.Asp1512Profs (NM_001407879.1, NM_001407881.1, NM_001407882.1 and 5 more transcripts); c.4531delGinsCC, p.Asp1511Profs (NM_001407894.1, NM_001407895.1, NM_001407896.1 and 12 more transcripts); c.4528delGinsCC, p.Asp1510Profs (NM_001407915.1, NM_001407916.1, NM_001407917.1 and 1 more transcripts); c.4621delGinsCC, p.Asp1541Profs (NM_001407919.1, NM_001407937.1, NM_001407938.1 and 6 more transcripts); c.4480delGinsCC, p.Asp1494Profs (NM_001407920.1, NM_001407921.1, NM_001407922.1 and 4 more transcripts); c.4477delGinsCC, p.Asp1493Profs (NM_001407927.1, NM_001407928.1, NM_001407929.1 and 4 more transcripts); c.4474delGinsCC, p.Asp1492Profs (NM_001407934.1, NM_001407935.1, NM_001407936.1); and 73 more; short protein forms D1535fs, D1582fs, D1603fs, D478fs.
Identifiers: ClinVar variation 2431250 (VCV002431250.1), dbSNP rs2551045296, ClinGen allele CA2580094180.

ClinVar aggregate classification (germline): Pathogenic (1 of 4 stars; one submission).

Conditions:
Breast-ovarian cancer, familial, susceptibility to, 1 (BROVCA1). Also called: BRCA1 Hereditary Breast and Ovarian Cancer; OVARIAN CANCER, SUSCEPTIBILITY TO. Identifiers: Orphanet 145, MedGen C2676676, MONDO:0011450, OMIM 604370. Disease mechanism: loss of function.

Submission:

Myriad Genetics, Inc.
Classification: Pathogenic for Breast-ovarian cancer, familial, susceptibility to, 1. Last evaluated: 2023-01-17. Review status: criteria provided, single submitter. Criteria: Myriad Autosomal Dominant, Autosomal Recessive and X-Linked Classification Criteria (2023). Collection method: clinical testing. Allele origin: unknown.
Comment: This variant is considered pathogenic. This variant creates a frameshift predicted to result in premature protein truncation.